The following is an entry in ClinVar:

NM_000051.4(ATM):c.7699_7702del (p.Asn2567fs)

Genes: ATM (ATM serine/threonine kinase; plus strand), C11orf65 (chromosome 11 open reading frame 65; minus strand). Cytogenetic location: 11q22.3.
Variant type: Deletion.
Coding change: c.7699_7702del on transcript NM_000051.4 (MANE Select); coding-DNA positions 7699 to 7702, 4 bases deleted (AACA; older notation c.7699_7702delAACA).
Protein change: p.Asn2567fs; shifts the reading frame from asparagine 2567.
Molecular consequence: frameshift variant. On other transcripts: intron variant (2).
Genome position (GRCh38, 1-based): chr11:108,331,948-108,331,951, AACA deleted; deleting any 4 consecutive bases within chr11:108,331,946-108,331,951 gives the same sequence; the c. name uses the placement nearest the transcript's 3' end. VCF-style (leftmost placement, unchanged base first): chr11-108331945-GCAAA-G. GRCh37 (hg19) VCF-style: chr11-108202672-GCAAA-G.
Other names: c.7699_7702delAACA, p.Asn2567Glufs (NM_000051.3); c.7699_7702del, p.Asn2567fs (NM_001351834.2); c.641-22878_641-22875del (NM_001330368.2); c.*38+3271_*38+3274del (NM_001351110.2); short protein forms N2567fs.
Identifiers: ClinVar variation 407478 (VCV000407478.20), dbSNP rs1060501547, ClinGen allele CA16613433.
Genomic context (GRCh38, chr11:108,331,945, plus strand): 5'-TCTAGAATTTCAATGGATCACCCCCATCACACTTTGTTTATTATACTGGCCTTAGCAAAT[GCAAA>G]CAGAGATGAATTTCTGACTAAACCAGAGGTAGCCAGAAGAAGCAGAATAACTAAAAATGT-3'

ClinVar aggregate classification (germline): Pathogenic/Likely pathogenic. Review status: criteria provided, multiple submitters, no conflicts (2 of 4 stars). 7 submissions from 7 submitters: Pathogenic (4); Likely pathogenic (3). Last evaluated 2025-07-30.

Conditions:
Hereditary cancer-predisposing syndrome. Also called: Neoplastic Syndromes, Hereditary; Hereditary Cancer Syndrome; Tumor predisposition; Hereditary neoplastic syndrome. Identifiers: Orphanet 140162, MedGen C0027672, MeSH D009386, MONDO:0015356.
Familial cancer of breast. Also called: Hereditary breast cancer; BREAST CANCER, FAMILIAL; hereditary breast carcinoma. Identifiers: Orphanet 227535, MedGen C0346153, MONDO:0016419, OMIM 114480. Disease mechanism: loss of function.
Ataxia-telangiectasia syndrome (AT). Also called: LOUIS-BAR SYNDROME; Cerebello-oculocutaneous telangiectasia; Immunodeficiency with ataxia telangiectasia; Ataxia-telangiectasia, complementation group D; AT, COMPLEMENTATION GROUP C; Ataxia-telangiectasia, complementation group E. Identifiers: Orphanet 100, MedGen C0004135, MONDO:0008840, OMIM 208900.

Submissions (7):

Labcorp Genetics (formerly Invitae), Labcorp
Classification: Pathogenic for Ataxia-telangiectasia syndrome. Last evaluated: 2025-07-30. Review status: criteria provided, single submitter. Criteria: Invitae Variant Classification Sherloc (09022015). Collection method: clinical testing. Allele origin: germline.
Comment: This sequence change creates a premature translational stop signal (p.Asn2567Glufs*5) in the ATM gene. It is expected to result in an absent or disrupted protein product. Loss-of-function variants in ATM are known to be pathogenic (PMID: 23807571, 25614872). This variant is not present in population databases (gnomAD no frequency). This premature translational stop signal has been observed in individual(s) with pancreatic cancer (PMID: 35047863). ClinVar contains an entry for this variant (Variation ID: 407478). RNA analysis performed to evaluate the impact of this premature translational stop signal on mRNA splicing indicates it does not significantly alter splicing (internal data). For these reasons, this variant has been classified as Pathogenic.

Center for Genomic Medicine, Rigshospitalet, Copenhagen University Hospital
Classification: Likely pathogenic. Last evaluated: 2025-03-04. Review status: criteria provided, single submitter. Criteria: ACMG Guidelines, 2015. Collection method: clinical testing. Allele origin: germline.

Ambry Genetics
Classification: Pathogenic for Hereditary cancer-predisposing syndrome. Last evaluated: 2024-07-22. Review status: criteria provided, single submitter. Criteria: Ambry Variant Classification Scheme 2023. Collection method: clinical testing. Allele origin: germline.
Comment: The c.7699_7702delAACA pathogenic mutation, located in coding exon 51 of the ATM gene, results from a deletion of 4 nucleotides at nucleotide positions 7699 to 7702, causing a translational frameshift with a predicted alternate stop codon (p.N2567Efs*5). This variant is considered to be rare based on population cohorts in the Genome Aggregation Database (gnomAD). This alteration is expected to result in loss of function by premature protein truncation or nonsense-mediated mRNA decay. As such, this alteration is interpreted as a disease-causing mutation.

Myriad Genetics, Inc.
Classification: Pathogenic for Familial cancer of breast. Last evaluated: 2024-01-31. Review status: criteria provided, single submitter. Criteria: Myriad Autosomal Dominant, Autosomal Recessive and X-Linked Classification Criteria (2023). Collection method: clinical testing. Allele origin: unknown.
Comment: This variant is considered pathogenic. This variant creates a frameshift predicted to result in premature protein truncation.

GeneDx
Classification: Likely pathogenic. Last evaluated: 2023-08-18. Review status: criteria provided, single submitter. Criteria: GeneDx Variant Classification Process June 2021. Collection method: clinical testing. Allele origin: germline. Affected: yes.
Comment: Frameshift variant predicted to result in protein truncation or nonsense mediated decay in a gene for which loss of function is a known mechanism of disease; Not observed at significant frequency in large population cohorts (gnomAD); Observed in an individual with acute myeloid leukaemia in published literature (Lu et al., 2015); This variant is associated with the following publications: (PMID: 26689913, 36451132, 35047863)

Baylor Genetics
Classification: Likely pathogenic for Familial cancer of breast. Last evaluated: 2023-01-10. Review status: criteria provided, single submitter. Criteria: ACMG Guidelines, 2015. Collection method: clinical testing. Allele origin: unknown.

Color Diagnostics, LLC DBA Color Health
Classification: Pathogenic for Hereditary cancer-predisposing syndrome. Last evaluated: 2020-03-21. Review status: criteria provided, single submitter. Criteria: ACMG Guidelines, 2015. Collection method: clinical testing. Allele origin: germline.
Comment: This variant deletes 4 nucleotides in exon 52 of the ATM gene, creating a frameshift and premature translation stop signal. This variant is expected to result in an absent or non-functional protein product. To our knowledge, this variant has not been reported in individuals affected with hereditary cancer in the literature. This variant has not been identified in the general population by the Genome Aggregation Database (gnomAD). Loss of ATM function is a known mechanism of disease. Based on the available evidence, this variant is classified as Pathogenic.

Literature cited by the submitters: PubMed 23807571 (cited by Labcorp Genetics (formerly Invitae), Labcorp); PubMed 25614872 (cited by Labcorp Genetics (formerly Invitae), Labcorp); PubMed 35047863 (cited by Labcorp Genetics (formerly Invitae), Labcorp).